The following is an entry in ClinVar:

NM_001025603.2(RFX5):c.904C>G (p.Arg302Gly)

Gene: RFX5 (regulatory factor X5; minus strand). Cytogenetic location: 1q21.3.
Variant type: single nucleotide variant.
Coding change: c.904C>G on transcript NM_001025603.2 (MANE Select); coding-DNA position 904, C replaced by G.
Protein change: p.Arg302Gly; replaces arginine 302 with glycine.
Molecular consequence: missense variant.
Genome position (GRCh38, 1-based): chr1:151,343,133, G>C on the plus strand (C>G on the coding strand, the complement: RFX5 is on the minus strand). VCF-style: chr1-151343133-G-C. GRCh37 (hg19) VCF-style: chr1-151315609-G-C.
Other names: c.904C>G, p.Arg302Gly (NM_000449.4, NM_001379412.1, NM_001379413.1 and 5 more transcripts); c.784C>G, p.Arg262Gly (NM_001379419.1, NM_001379420.1); short protein forms R262G, R302G.
Identifiers: ClinVar variation 966610 (VCV000966610.5), dbSNP rs757930556, ClinGen allele CA1089708.

ClinVar aggregate classification (germline): Uncertain significance. Review status: criteria provided, multiple submitters, no conflicts (2 of 4 stars). 2 submissions from 2 submitters: Uncertain significance (2). Last evaluated 2022-01-10.

Conditions:
MHC class II deficiency. Also called: Bare lymphocyte syndrome 2; BLS, TYPE II. Identifiers: Orphanet 572, MedGen C5447452, MONDO:0008855.

Allele frequency attached by ClinVar (database versions not stated): TOPMed 0.00009.
gnomAD v4.1: 68 of 1,611,944 alleles (0.0042%); highest among the groups gnomAD compares: Admixed American, 0.11%; no homozygotes.

Submissions (2):

Labcorp Genetics (formerly Invitae), Labcorp
Classification: Uncertain significance for MHC class II deficiency. Last evaluated: 2022-01-10. Review status: criteria provided, single submitter. Criteria: Invitae Variant Classification Sherloc (09022015). Collection method: clinical testing. Allele origin: germline.
Comment: This sequence change replaces arginine, which is basic and polar, with glycine, which is neutral and non-polar, at codon 302 of the RFX5 protein (p.Arg302Gly). This variant is present in population databases (rs757930556, gnomAD 0.2%). This variant has not been reported in the literature in individuals affected with RFX5-related conditions. ClinVar contains an entry for this variant (Variation ID: 966610). Algorithms developed to predict the effect of missense changes on protein structure and function (SIFT, PolyPhen-2, Align-GVGD) all suggest that this variant is likely to be tolerated. Algorithms developed to predict the effect of sequence changes on RNA splicing suggest that this variant may create or strengthen a splice site. In summary, the available evidence is currently insufficient to determine the role of this variant in disease. Therefore, it has been classified as a Variant of Uncertain Significance.

Blueprint Genetics
Classification: Uncertain significance. Last evaluated: 2021-02-26. Review status: criteria provided, single submitter. Criteria: ACMG Guidelines, 2015. Collection method: clinical testing. Allele origin: germline.